The following is an entry in ClinVar:

ClinVar aggregate classification (germline): Pathogenic (0 of 4 stars; one submission).

Conditions:
Joubert syndrome with renal defect. Also called: JOUBERT SYNDROME 4. Identifiers: Orphanet 220497, MedGen C1846790, MONDO:0012308, OMIM 609583.
Nephronophthisis 1 (NPHP1). Also called: Nephronophthisis familial juvenile. Identifiers: Orphanet 655, Orphanet 93592, MedGen C1855681, MONDO:0009728, OMIM 256100.
Senior-Loken syndrome 1 (SLSN1). Also called: JUVENILE NEPHRONOPHTHISIS WITH LEBER AMAUROSIS. Identifiers: Orphanet 3156, MedGen C4551559, MONDO:0009962, OMIM 266900.

Submission:

Fulgent Genetics
Classification: Pathogenic for Nephronophthisis 1; Senior-Loken syndrome 1; Joubert syndrome with renal defect. Review status: no assertion criteria provided. Collection method: clinical testing. Allele origin: unknown.
Comment: This variant has been detected in individual(s) who were sent for testing of Renasight - kidney gene panel.

GRCh37/hg19 2q13(chr2:110880925-110962590)

Gene: NPHP1 (nephrocystin 1; minus strand). Cytogenetic location: 2q13.
Variant type: copy number loss.
Identifiers: ClinVar variation 1179110 (VCV001179110.2).